The following is an entry in ClinVar:

ClinVar aggregate classification (germline): Pathogenic. Review status: criteria provided, multiple submitters, no conflicts (2 of 4 stars). 2 submissions from 2 submitters: Pathogenic (2). Last evaluated 2024-12-24.

Conditions:
X-linked lymphoproliferative disease due to XIAP deficiency. Also called: XIAP-Related Lymphoproliferative Disease, X-Linked; XIAP DEFICIENCY. Identifiers: Orphanet 2442, Orphanet 538934, MedGen C1845076, MONDO:0010385, OMIM 300635.

Submissions (2):

Labcorp Genetics (formerly Invitae), Labcorp
Classification: Pathogenic for X-linked lymphoproliferative disease due to XIAP deficiency. Last evaluated: 2024-12-24. Review status: criteria provided, single submitter. Criteria: Invitae Variant Classification Sherloc (09022015). Collection method: clinical testing. Allele origin: germline.
Comment: This sequence change creates a premature translational stop signal (p.Tyr115*) in the XIAP gene. It is expected to result in an absent or disrupted protein product. Loss-of-function variants in XIAP are known to be pathogenic (PMID: 17080092, 21119115, 25666262). This variant is not present in population databases (gnomAD no frequency). This premature translational stop signal has been observed in individual(s) with clinical features of XIAP-related conditions (PMID: 32542393). ClinVar contains an entry for this variant (Variation ID: 1701610). For these reasons, this variant has been classified as Pathogenic.

CeGaT Center for Human Genetics Tuebingen
Classification: Pathogenic. Last evaluated: 2022-04-01. Review status: criteria provided, single submitter. Criteria: CeGaT Center For Human Genetics Tuebingen Variant Classification Criteria Version 2. Collection method: clinical testing. Allele origin: germline. Affected: yes. Observed: 1 variant allele.
Comment: XIAP: PVS1, PM2, PS4:Supporting

Literature cited by the submitters: PubMed 17080092 (cited by Labcorp Genetics (formerly Invitae), Labcorp); PubMed 21119115 (cited by Labcorp Genetics (formerly Invitae), Labcorp); PubMed 25666262 (cited by Labcorp Genetics (formerly Invitae), Labcorp); PubMed 32542393 (cited by Labcorp Genetics (formerly Invitae), Labcorp).

NM_001167.4(XIAP):c.345C>G (p.Tyr115Ter)

Gene: XIAP (X-linked inhibitor of apoptosis; plus strand). Cytogenetic location: Xq25.
Variant type: single nucleotide variant.
Coding change: c.345C>G on transcript NM_001167.4 (MANE Select); coding-DNA position 345, C replaced by G.
Protein change: p.Tyr115Ter; replaces tyrosine 115 with a stop codon.
Molecular consequence: nonsense.
Genome position (GRCh38, 1-based): chrX:123,886,007, C>G. VCF-style: chrX-123886007-C-G. GRCh37 (hg19) VCF-style: chrX-123019857-C-G.
Other names: c.345C>G, p.Tyr115Ter (NM_001204401.2, NM_001378590.1, NM_001378591.1 and 1 more transcripts); short protein forms Y115*.
Identifiers: ClinVar variation 1701610 (VCV001701610.33), dbSNP rs761159697, ClinGen allele CA414123258.